The following is an entry in ClinVar:

ClinVar aggregate classification (germline): Uncertain significance. Review status: criteria provided, multiple submitters, no conflicts (2 of 4 stars). 2 submissions from 2 submitters: Uncertain significance (2). Last evaluated 2024-10-24.

Conditions:
Gastrointestinal stromal tumor. Also called: Gastrointestinal stroma tumor; Gastrointestinal stromal tumor, somatic. Identifiers: Orphanet 44890, MedGen C0238198, MeSH D046152, MONDO:0011719, OMIM 606764, HP:0100723.
Pheochromocytoma/paraganglioma syndrome 4. Also called: SDHB-Related Hereditary Paraganglioma-Pheochromocytoma Syndrome (Paragangliomas 4); Paragangliomas 4; SDHB-Related Hereditary Paraganglioma-Pheochromocytoma Syndrome; CAROTID BODY TUMORS AND MULTIPLE EXTRAADRENAL PHEOCHROMOCYTOMAS; PARAGANGLIOMA, FAMILIAL MALIGNANT; PARAGANGLIOMAS, HEREDITARY EXTRAADRENAL. Identifiers: Orphanet 29072, MedGen C1861848, MONDO:0007273, OMIM 115310.
Pheochromocytoma. Also called: MAX-Related Hereditary Paraganglioma-Pheochromocytoma Syndrome. Identifiers: Orphanet 29072, MedGen C0031511, MONDO:0008233, OMIM 171300, HP:0002666.
Hereditary cancer-predisposing syndrome. Also called: Tumor predisposition; Hereditary Cancer Syndrome; Neoplastic Syndromes, Hereditary; Hereditary neoplastic syndrome. Identifiers: Orphanet 140162, MedGen C0027672, MeSH D009386, MONDO:0015356.

Allele frequency attached by ClinVar (database versions not stated): TOPMed below 0.00001.

Submissions (2):

Ambry Genetics
Classification: Uncertain significance for Hereditary cancer-predisposing syndrome. Last evaluated: 2024-10-24. Review status: criteria provided, single submitter. Criteria: Ambry Variant Classification Scheme 2023. Collection method: clinical testing. Allele origin: germline.
Comment: The p.M219V variant (also known as c.655A>G), located in coding exon 7 of the SDHB gene, results from an A to G substitution at nucleotide position 655. The methionine at codon 219 is replaced by valine, an amino acid with highly similar properties. This amino acid position is conserved. In addition, this alteration is predicted to be deleterious by in silico analysis. Based on the available evidence, the clinical significance of this variant remains unclear.

Labcorp Genetics (formerly Invitae), Labcorp
Classification: Uncertain significance for Gastrointestinal stromal tumor; Pheochromocytoma/paraganglioma syndrome 4; Pheochromocytoma. Last evaluated: 2021-05-25. Review status: criteria provided, single submitter. Criteria: Invitae Variant Classification Sherloc (09022015). Collection method: clinical testing. Allele origin: germline.
Comment: In summary, the available evidence is currently insufficient to determine the role of this variant in disease. Therefore, it has been classified as a Variant of Uncertain Significance. Algorithms developed to predict the effect of sequence changes on RNA splicing suggest that this variant may create or strengthen a splice site, but this prediction has not been confirmed by published transcriptional studies. Advanced modeling of protein sequence and biophysical properties (such as structural, functional, and spatial information, amino acid conservation, physicochemical variation, residue mobility, and thermodynamic stability) performed at Invitae indicates that this missense variant is not expected to disrupt SDHB protein function. This variant has not been reported in the literature in individuals with SDHB-related conditions. This variant is not present in population databases (ExAC no frequency). This sequence change replaces methionine with valine at codon 219 of the SDHB protein (p.Met219Val). The methionine residue is moderately conserved and there is a small physicochemical difference between methionine and valine.

NM_003000.3(SDHB):c.655A>G (p.Met219Val)

Gene: SDHB (succinate dehydrogenase complex iron sulfur subunit B; minus strand). Cytogenetic location: 1p36.13.
Variant type: single nucleotide variant.
Coding change: c.655A>G on transcript NM_003000.3 (MANE Select); coding-DNA position 655, A replaced by G.
Protein change: p.Met219Val; replaces methionine 219 with valine.
Molecular consequence: missense variant.
Genome position (GRCh38, 1-based): chr1:17,022,718, T>C on the plus strand (A>G on the coding strand, the complement: SDHB is on the minus strand). VCF-style: chr1-17022718-T-C. GRCh37 (hg19) VCF-style: chr1-17349213-T-C.
Other names: c.655A>G (NM_003000.2); short protein forms M219V.
Identifiers: ClinVar variation 1356059 (VCV001356059.9), dbSNP rs2077968991, ClinGen allele CA338270486.